The following is an entry in ClinVar:

ClinVar aggregate classification (germline): Pathogenic. Review status: reviewed by expert panel (3 of 4 stars). 3 submissions from 3 submitters: Pathogenic (1). 2 of the submissions do not count toward it. Last evaluated 2016-10-18.

Conditions:
Hereditary breast ovarian cancer syndrome. Also called: Hereditary breast and ovarian cancer syndrome; Hereditary breast and ovarian cancer; Hereditary breast and ovarian cancer syndrome (HBOC); Breast and ovarian cancer; Hereditary breast and/or ovarian cancer syndrome; BRCA1- and BRCA2-Associated Hereditary Breast and Ovarian Cancer. Identifiers: Orphanet 145, MedGen C0677776, MeSH D061325, MONDO:0003582. Disease mechanism: loss of function.
Breast-ovarian cancer, familial, susceptibility to, 2 (BROVCA2). Also called: BRCA2 Hereditary Breast and Ovarian Cancer. Identifiers: Orphanet 145, MedGen C2675520, MONDO:0012933, OMIM 612555. Disease mechanism: loss of function.

Submissions (3):

Evidence-based Network for the Interpretation of Germline Mutant Alleles (ENIGMA)
Classification: Pathogenic for Breast-ovarian cancer, familial, susceptibility to, 2. Last evaluated: 2016-10-18. Review status: reviewed by expert panel. Criteria: ENIGMA BRCA1/2 Classification Criteria (2015). Collection method: curation. Allele origin: germline.
Comment: Variant allele predicted to encode a truncated non-functional protein.

Labcorp Genetics (formerly Invitae), Labcorp
Classification: Pathogenic for Hereditary breast ovarian cancer syndrome. Last evaluated: 2021-07-25. Review status: criteria provided, single submitter. Criteria: Invitae Variant Classification Sherloc (09022015). Collection method: clinical testing. Allele origin: germline. Not counted in ClinVar's aggregate classification.
Comment: For these reasons, this variant has been classified as Pathogenic. ClinVar contains an entry for this variant (Variation ID: 52846). This variant has not been reported in the literature in individuals affected with BRCA2-related conditions. This variant is not present in population databases (ExAC no frequency). This sequence change creates a premature translational stop signal (p.Phe3159Serfs*4) in the BRCA2 gene. It is expected to result in an absent or disrupted protein product. Loss-of-function variants in BRCA2 are known to be pathogenic (PMID: 20104584).

Consortium of Investigators of Modifiers of BRCA1/2 (CIMBA), c/o University of Cambridge
Classification: Pathogenic for Breast-ovarian cancer, familial, susceptibility to, 2. Last evaluated: 2015-10-02. Review status: criteria provided, single submitter. Criteria: CIMBA Mutation Classification guidelines May 2016. Collection method: clinical testing. Allele origin: germline. Not counted in ClinVar's aggregate classification.

Literature cited by the submitters: PubMed 20104584 (cited by Labcorp Genetics (formerly Invitae), Labcorp).

NM_000059.4(BRCA2):c.9474del (p.Phe3159fs)

Gene: BRCA2 (BRCA2 DNA repair associated; plus strand). Cytogenetic location: 13q13.1.
Variant type: Deletion.
Coding change: c.9474del on transcript NM_000059.4 (MANE Select); coding-DNA position 9474, one base deleted (A; older notation c.9474delA).
Protein change: p.Phe3159fs; shifts the reading frame from phenylalanine 3159.
Molecular consequence: frameshift variant.
Genome position (GRCh38, 1-based): chr13:32,394,906, A deleted. VCF-style (leftmost placement, unchanged base first): chr13-32394905-CA-C. GRCh37 (hg19) VCF-style: chr13-32969042-CA-C.
Other names: 9702delA-3162ter; c.9474delA (NM_000059.3).
Identifiers: ClinVar variation 52846 (VCV000052846.11), dbSNP rs397508054, ClinGen allele CA026173.